The following is an entry in ClinVar:

NM_006755.2(TALDO1):c.304C>T (p.Arg102Ter)

Gene: TALDO1 (transaldolase 1; plus strand). Cytogenetic location: 11p15.5.
Variant type: single nucleotide variant.
Coding change: c.304C>T on transcript NM_006755.2 (MANE Select); coding-DNA position 304, C replaced by T.
Protein change: p.Arg102Ter; replaces arginine 102 with a stop codon.
Molecular consequence: nonsense.
Genome position (GRCh38, 1-based): chr11:759,032, C>T. VCF-style: chr11-759032-C-T. GRCh37 (hg19) VCF-style: chr11-759032-C-T.
Other names: short protein forms R102*.
Identifiers: ClinVar variation 3609749 (VCV003609749.2).
Genomic context (GRCh38, chr11:759,032, plus strand): 5'-AATGCTATTGATAAACTTTTTGTGTTGTTTGGAGCAGAAATACTAAAGAAGATTCCGGGC[C>T]GAGTATCCACAGAAGTAGACGCAAGGTAAGGATGCTTGCTCCTGCACTGGATGGGCTGGT-3'

ClinVar aggregate classification (germline): Pathogenic (1 of 4 stars; one submission).

Submission:

Labcorp Genetics (formerly Invitae), Labcorp
Classification: Pathogenic. Last evaluated: 2025-03-08. Review status: criteria provided, single submitter. Criteria: Invitae Variant Classification Sherloc (09022015). Collection method: clinical testing. Allele origin: germline.
Comment: This sequence change creates a premature translational stop signal (p.Arg102*) in the TALDO1 gene. It is expected to result in an absent or disrupted protein product. Loss-of-function variants in TALDO1 are known to be pathogenic (PMID: 23315216, 26238251). This variant is present in population databases (rs202135397, gnomAD 0.0009%). This variant has not been reported in the literature in individuals affected with TALDO1-related conditions. For these reasons, this variant has been classified as Pathogenic.

Literature cited by the submitters: PubMed 23315216; PubMed 26238251.